The following is an entry in ClinVar:

ClinVar aggregate classification (germline): Benign/Likely benign. Review status: criteria provided, multiple submitters, no conflicts (2 of 4 stars). 3 submissions from 3 submitters: Benign (1); Likely benign (2). Last evaluated 2024-10-15.

Conditions:
Hereditary cancer-predisposing syndrome. Also called: Hereditary neoplastic syndrome; Tumor predisposition; Neoplastic Syndromes, Hereditary; Hereditary Cancer Syndrome. Identifiers: Orphanet 140162, MedGen C0027672, MeSH D009386, MONDO:0015356.
Hereditary diffuse gastric adenocarcinoma (HDGC). Also called: DIFFUSE GASTRIC AND LOBULAR BREAST CANCER SYNDROME. Identifiers: Orphanet 26106, MedGen C1708349, MONDO:0007648, OMIM 137215.

Allele frequency attached by ClinVar (database versions not stated): gnomAD exomes below 0.00001; ExAC 0.00001; gnomAD 0.00001; TOPMed 0.00001; ESP Exome Variant Server 0.00008.
gnomAD v4.1: 4 of 1,611,854 alleles (0.00025%); highest among the groups gnomAD compares: African/African-American, 0.0027%; no homozygotes.

Submissions (3):

Myriad Genetics, Inc.
Classification: Benign for Hereditary diffuse gastric adenocarcinoma. Last evaluated: 2024-10-15. Review status: criteria provided, single submitter. Criteria: Myriad Autosomal Dominant, Autosomal Recessive and X-Linked Classification Criteria (2023). Collection method: clinical testing. Allele origin: unknown.
Comment: This variant is considered benign. This variant is a silent/synonymous amino acid change and it is not expected to impact splicing.

Labcorp Genetics (formerly Invitae), Labcorp
Classification: Likely benign. Last evaluated: 2024-06-25. Review status: criteria provided, single submitter. Criteria: Invitae Variant Classification Sherloc (09022015). Collection method: clinical testing. Allele origin: germline.

Ambry Genetics
Classification: Likely benign for Hereditary cancer-predisposing syndrome. Last evaluated: 2020-03-28. Review status: criteria provided, single submitter. Criteria: Ambry Variant Classification Scheme 2023. Collection method: clinical testing. Allele origin: germline.

NM_001903.5(CTNNA1):c.2712C>T (p.Asp904=)

Gene: CTNNA1 (catenin alpha 1; plus strand). Cytogenetic location: 5q31.2.
Variant type: single nucleotide variant.
Coding change: c.2712C>T on transcript NM_001903.5 (MANE Select); coding-DNA position 2712, C replaced by T.
Protein change: p.Asp904=; no amino-acid change (aspartic acid 904 retained).
Molecular consequence: synonymous variant. On other transcripts: 3 prime UTR variant (5).
Genome position (GRCh38, 1-based): chr5:138,934,080, C>T. VCF-style: chr5-138934080-C-T. GRCh37 (hg19) VCF-style: chr5-138269769-C-T.
Other names: c.*257C>T (NM_001290307.3, NM_001324002.1, NM_001324003.1 and 2 more transcripts); c.2403C>T, p.Asp801= (NM_001290309.3); c.2343C>T, p.Asp781= (NM_001290310.3); c.1602C>T, p.Asp534= (NM_001290312.1, NM_001323987.1, NM_001323988.1 and 12 more transcripts); c.2712C>T, p.Asp904= (NM_001323982.2, NM_001323983.1, NM_001323984.2); c.2685C>T, p.Asp895= (NM_001323985.2); c.2619C>T, p.Asp873= (NM_001323986.2); c.1467C>T, p.Asp489= (NM_001324001.1); and 3 more.
Identifiers: ClinVar variation 1109620 (VCV001109620.12), dbSNP rs368569759, ClinGen allele CA3432288.